The following is an entry in ClinVar:

NM_001242896.3(DEPDC5):c.4411C>T (p.Leu1471Phe)

Gene: DEPDC5 (DEP domain containing 5, GATOR1 subcomplex subunit; plus strand). Cytogenetic location: 22q12.3.
Variant type: single nucleotide variant.
Coding change: c.4411C>T on transcript NM_001242896.3 (MANE Select); coding-DNA position 4411, C replaced by T.
Protein change: p.Leu1471Phe; replaces leucine 1471 with phenylalanine.
Molecular consequence: missense variant. On other transcripts: non-coding transcript variant (5).
Genome position (GRCh38, 1-based): chr22:31,901,777, C>T. VCF-style: chr22-31901777-C-T. GRCh37 (hg19) VCF-style: chr22-32297763-C-T.
Other names: c.4384C>T, p.Leu1462Phe (NM_001136029.4); c.4111C>T, p.Leu1371Phe (NM_001242897.2); c.4345C>T, p.Leu1449Phe (NM_001363852.2, NM_001364320.2); c.4177C>T, p.Leu1393Phe (NM_001363854.2, NM_001364319.2); c.4411C>T, p.Leu1471Phe (NM_001364318.2); c.4327C>T, p.Leu1443Phe (NM_001369901.1, NM_001369902.1); c.4318C>T, p.Leu1440Phe (NM_001369903.1, NM_014662.6); short protein forms L1371F, L1462F, L1440F, L1443F, L1449F, L1471F, L1393F.
Identifiers: ClinVar variation 1498064 (VCV001498064.6), dbSNP rs2149419770, ClinGen allele CA411290438.

ClinVar aggregate classification (germline): Uncertain significance (1 of 4 stars; one submission).

Conditions:
Familial focal epilepsy with variable foci (FPEVF). Identifiers: Orphanet 98820, MedGen C1858477, MONDO:0020310.

Submission:

Labcorp Genetics (formerly Invitae), Labcorp
Classification: Uncertain significance for Familial focal epilepsy with variable foci. Last evaluated: 2022-09-01. Review status: criteria provided, single submitter. Criteria: Invitae Variant Classification Sherloc (09022015). Collection method: clinical testing. Allele origin: germline.
Comment: Algorithms developed to predict the effect of missense changes on protein structure and function are either unavailable or do not agree on the potential impact of this missense change (SIFT: "Deleterious"; PolyPhen-2: "Not Available"; Align-GVGD: "Class C15"). In summary, the available evidence is currently insufficient to determine the role of this variant in disease. Therefore, it has been classified as a Variant of Uncertain Significance. ClinVar contains an entry for this variant (Variation ID: 1498064). This variant has not been reported in the literature in individuals affected with DEPDC5-related conditions. This variant is not present in population databases (gnomAD no frequency). This sequence change replaces leucine, which is neutral and non-polar, with phenylalanine, which is neutral and non-polar, at codon 1471 of the DEPDC5 protein (p.Leu1471Phe).